The following is an entry in ClinVar:

NM_004958.4(MTOR):c.456C>T (p.Ala152=)

Gene: MTOR (mechanistic target of rapamycin kinase; minus strand). Cytogenetic location: 1p36.22.
Variant type: single nucleotide variant.
Coding change: c.456C>T on transcript NM_004958.4 (MANE Select); coding-DNA position 456, C replaced by T.
Protein change: p.Ala152=; no amino-acid change (alanine 152 retained).
Molecular consequence: synonymous variant. On other transcripts: 5 prime UTR variant (1).
Genome position (GRCh38, 1-based): chr1:11,256,981, G>A on the plus strand (C>T on the coding strand, the complement: MTOR is on the minus strand). VCF-style: chr1-11256981-G-A. GRCh37 (hg19) VCF-style: chr1-11317038-G-A.
Other names: c.456C>T, p.Ala152= (NM_001386500.1); c.-684C>T (NM_001386501.1).
Identifiers: ClinVar variation 4681869 (VCV004681869.5).
Genomic context (GRCh38, chr1:11,256,981, plus strand): 5'-GTAGACACTCACAGCTGCATGTCTCCGGCCCTCATTGCGGTCAGCACCCAGCCATTCCAG[G>A]GCTCGCTTCACCTCAAATTCCACGTACTCAGCGGTAAAAGTGTCCCCTGCCATGGCAAGA-3'
Protein context (NP_004949.1, residues 142-162): AEYVEFEVKR[Ala152=]LEWLGADRNE

ClinVar aggregate classification (germline): Uncertain significance (1 of 4 stars; one submission).

Submission:

CeGaT Center for Human Genetics Tuebingen
Classification: Uncertain significance. Last evaluated: 2025-12-01. Review status: criteria provided, single submitter. Criteria: CeGaT Center For Human Genetics Tuebingen Variant Classification Criteria Version 2. Collection method: clinical testing. Allele origin: germline. Affected: yes. Observed: 1 variant allele.
Comment: MTOR: PM2:Supporting, BP4